The following is an entry in ClinVar:

NM_000264.5(PTCH1):c.118C>T (p.Arg40Cys)

Genes: PTCH1 (patched 1; minus strand), LOC130002133 (ATAC-STARR-seq lymphoblastoid silent region 20071; plus strand). Cytogenetic location: 9q22.32.
Variant type: single nucleotide variant.
Coding change: c.118C>T on transcript NM_000264.5 (MANE Select); coding-DNA position 118, C replaced by T.
Protein change: p.Arg40Cys; replaces arginine 40 with cysteine.
Molecular consequence: missense variant. On other transcripts: non-coding transcript variant (1), intron variant (3).
Genome position (GRCh38, 1-based): chr9:95,508,244, G>A on the plus strand (C>T on the coding strand, the complement: PTCH1 is on the minus strand). VCF-style: chr9-95508244-G-A. GRCh37 (hg19) VCF-style: chr9-98270526-G-A.
Other names: c.118C>T, p.Arg40Cys (NM_001354918.2); c.199-1645C>T (NM_001083603.3); c.4-1645C>T (NM_001083602.3, NM_001354919.2); short protein forms R40C.
Identifiers: ClinVar variation 852564 (VCV000852564.14), dbSNP rs1843895996, ClinGen allele CA374121403.
Genomic context (GRCh38, chr9:95,508,244, plus strand): 5'-AGGCGGCGTCGCAGTAGCTGGGCCGGTGCAGATAGTCCCGGTCCGGCGCGGCAGCACGGC[G>A]CAGCCCCCCCGTCCGTCTGCGCCTCCCGCCTCCAGCCGGCCGTCCCGGGGCACCGATACA-3'
Protein context (NP_000255.2, residues 30-50): GGRRRRTGGL[Arg40Cys]RAAAPDRDYL

ClinVar aggregate classification (germline): Uncertain significance. Review status: criteria provided, multiple submitters, no conflicts (2 of 4 stars). 3 submissions from 3 submitters: Uncertain significance (3). Last evaluated 2025-05-28.

Conditions:
Gorlin syndrome. Also called: Nevoid Basal Cell Carcinoma Syndrome; Basal cell nevus syndrome. Identifiers: Orphanet 377, MedGen C0004779, MONDO:0007187.
Hereditary cancer-predisposing syndrome. Also called: Neoplastic Syndromes, Hereditary; Hereditary Cancer Syndrome; Hereditary neoplastic syndrome; Tumor predisposition. Identifiers: Orphanet 140162, MedGen C0027672, MeSH D009386, MONDO:0015356.
Basal cell carcinoma, susceptibility to, 1. Also called: BCC1. Identifiers: MedGen C2751544, MONDO:0011556, OMIM 605462.

Allele frequency attached by ClinVar (database versions not stated): gnomAD exomes below 0.00001; TOPMed 0.00001.
gnomAD v4.1: 1 of 1,606,326 alleles (0.000062%); highest among the groups gnomAD compares: Non-Finnish European, 0.000085%; no homozygotes.

Submissions (3):

Labcorp Genetics (formerly Invitae), Labcorp
Classification: Uncertain significance for Gorlin syndrome. Last evaluated: 2025-05-28. Review status: criteria provided, single submitter. Criteria: Invitae Variant Classification Sherloc (09022015). Collection method: clinical testing. Allele origin: germline.
Comment: This sequence change replaces arginine, which is basic and polar, with cysteine, which is neutral and slightly polar, at codon 40 of the PTCH1 protein (p.Arg40Cys). This variant is not present in population databases (gnomAD no frequency). This variant has not been reported in the literature in individuals affected with PTCH1-related conditions. ClinVar contains an entry for this variant (Variation ID: 852564). Invitae Evidence Modeling of protein sequence and biophysical properties (such as structural, functional, and spatial information, amino acid conservation, physicochemical variation, residue mobility, and thermodynamic stability) indicates that this missense variant is not expected to disrupt PTCH1 protein function with a negative predictive value of 95%. In summary, the available evidence is currently insufficient to determine the role of this variant in disease. Therefore, it has been classified as a Variant of Uncertain Significance.

Ambry Genetics
Classification: Uncertain significance for Hereditary cancer-predisposing syndrome. Last evaluated: 2024-10-21. Review status: criteria provided, single submitter. Criteria: Ambry Variant Classification Scheme 2023. Collection method: clinical testing. Allele origin: germline.
Comment: The p.R40C variant (also known as c.118C>T), located in coding exon 1 of the PTCH1 gene, results from a C to T substitution at nucleotide position 118. The arginine at codon 40 is replaced by cysteine, an amino acid with highly dissimilar properties. This amino acid position is conserved. In addition, this alteration is predicted to be tolerated by in silico analysis. Since supporting evidence is limited at this time, the clinical significance of this alteration remains unclear.

Baylor Genetics
Classification: Uncertain significance for Basal cell carcinoma, susceptibility to, 1. Last evaluated: 2023-12-05. Review status: criteria provided, single submitter. Criteria: ACMG Guidelines, 2015. Collection method: clinical testing. Allele origin: unknown.